The following is an entry in ClinVar:

NM_001244008.2(KIF1A):c.430-278C>T

Gene: KIF1A (kinesin family member 1A; minus strand). Cytogenetic location: 2q37.3.
Variant type: single nucleotide variant.
Coding change: c.430-278C>T on transcript NM_001244008.2 (MANE Select); 278 bases into the intron before coding-DNA position 430, C replaced by T.
Molecular consequence: intron variant.
Genome position (GRCh38, 1-based): chr2:240,786,791, G>A on the plus strand (C>T on the coding strand, the complement: KIF1A is on the minus strand). VCF-style: chr2-240786791-G-A. GRCh37 (hg19) VCF-style: chr2-241726208-G-A.
Other names: c.430-278C>T (NM_001379653.1, NM_001379650.1, NM_001379645.1 and 20 more transcripts).
Identifiers: ClinVar variation 668746 (VCV000668746.1), dbSNP rs4998258, ClinGen allele CA15159170.

ClinVar aggregate classification (germline): Benign (1 of 4 stars; one submission).

Allele frequency attached by ClinVar (database versions not stated): gnomAD 0.16759 and 0.17288; 1000 Genomes Project 0.36881.
gnomAD v4.1: 8,421 of 50,418 alleles (17%); highest among the groups gnomAD compares: African/African-American, 34%; 428 homozygotes.

Submission:

GeneDx
Classification: Benign. Last evaluated: 2018-06-19. Review status: criteria provided, single submitter. Criteria: GeneDx Variant Classification (06012015). Collection method: clinical testing. Allele origin: germline. Affected: yes.
Comment: This variant is considered likely benign or benign based on one or more of the following criteria: it is a conservative change, it occurs at a poorly conserved position in the protein, it is predicted to be benign by multiple in silico algorithms, and/or has population frequency not consistent with disease.